The following is an entry in ClinVar:

NM_004113.6(FGF12):c.347A>G (p.Asn116Ser)

Gene: FGF12 (fibroblast growth factor 12; minus strand). Cytogenetic location: 3q28.
Variant type: single nucleotide variant.
Coding change: c.347A>G on transcript NM_004113.6 (MANE Select); coding-DNA position 347, A replaced by G.
Protein change: p.Asn116Ser; replaces asparagine 116 with serine.
Molecular consequence: missense variant.
Genome position (GRCh38, 1-based): chr3:192,170,538, T>C on the plus strand (A>G on the coding strand, the complement: FGF12 is on the minus strand). VCF-style: chr3-192170538-T-C. GRCh37 (hg19) VCF-style: chr3-191888327-T-C.
Other names: c.236A>G, p.Asn79Ser (NM_001377292.1); c.275A>G, p.Asn92Ser (NM_001377293.1, NM_001377294.1); c.533A>G, p.Asn178Ser (NM_021032.5); short protein forms N116S, N178S, N79S, N92S.
Identifiers: ClinVar variation 3366252 (VCV003366252.1).

ClinVar aggregate classification (germline): Uncertain significance (1 of 4 stars; one submission).

gnomAD v4.1: 8 of 1,614,086 alleles (0.0005%); highest among the groups gnomAD compares: East Asian, 0.0022%; no homozygotes.

Submission:

GeneDx
Classification: Uncertain significance. Last evaluated: 2023-10-24. Review status: criteria provided, single submitter. Criteria: GeneDx Variant Classification Process June 2021. Collection method: clinical testing. Allele origin: germline. Affected: yes.
Comment: In silico analysis supports that this missense variant has a deleterious effect on protein structure/function; Has not been previously published as pathogenic or benign to our knowledge